The following is an entry in ClinVar:

NM_005076.5(CNTN2):c.835T>A (p.Ser279Thr)

Gene: CNTN2 (contactin 2; plus strand). Cytogenetic location: 1q32.1.
Variant type: single nucleotide variant.
Coding change: c.835T>A on transcript NM_005076.5 (MANE Select); coding-DNA position 835, T replaced by A.
Protein change: p.Ser279Thr; replaces serine 279 with threonine.
Molecular consequence: missense variant. On other transcripts: non-coding transcript variant (1).
Genome position (GRCh38, 1-based): chr1:205,061,282, T>A. VCF-style: chr1-205061282-T-A. GRCh37 (hg19) VCF-style: chr1-205030410-T-A.
Other names: c.835T>A, p.Ser279Thr (NM_001346083.2); short protein forms S279T.
Identifiers: ClinVar variation 1445976 (VCV001445976.6), dbSNP rs2151191847, ClinGen allele CA344409186.

ClinVar aggregate classification (germline): Uncertain significance (1 of 4 stars; one submission).

Conditions:
Epilepsy, familial adult myoclonic, 5 (EPEO5). Also called: CORTICAL MYOCLONIC TREMOR WITH EPILEPSY, FAMILIAL, 5. Identifiers: Orphanet 86814, MedGen C3809374, MONDO:0014167, OMIM 615400.

Submission:

Labcorp Genetics (formerly Invitae), Labcorp
Classification: Uncertain significance for Epilepsy, familial adult myoclonic, 5. Last evaluated: 2021-08-28. Review status: criteria provided, single submitter. Criteria: Invitae Variant Classification Sherloc (09022015). Collection method: clinical testing. Allele origin: germline.
Comment: In summary, the available evidence is currently insufficient to determine the role of this variant in disease. Therefore, it has been classified as a Variant of Uncertain Significance. Advanced modeling of protein sequence and biophysical properties (such as structural, functional, and spatial information, amino acid conservation, physicochemical variation, residue mobility, and thermodynamic stability) performed at Invitae indicates that this missense variant is not expected to disrupt CNTN2 protein function. This variant has not been reported in the literature in individuals affected with CNTN2-related conditions. This variant is not present in population databases (ExAC no frequency). This sequence change replaces serine with threonine at codon 279 of the CNTN2 protein (p.Ser279Thr). The serine residue is highly conserved and there is a small physicochemical difference between serine and threonine.